The following is an entry in ClinVar:

NM_001142800.2(EYS):c.5834del (p.Lys1945fs)

Gene: EYS (EGF-like photoreceptor maintenance factor; minus strand). Cytogenetic location: 6q12.
Variant type: Deletion.
Coding change: c.5834del on transcript NM_001142800.2 (MANE Select); coding-DNA position 5834, one base deleted (A; older notation c.5834delA).
Protein change: p.Lys1945fs; shifts the reading frame from lysine 1945.
Molecular consequence: frameshift variant.
Genome position (GRCh38, 1-based): chr6:64,439,163, T deleted on the plus strand (A on the coding strand, the reverse complement: EYS is on the minus strand); the first of 3 consecutive T bases (chr6:64,439,163-64,439,165); deleting any one gives the same sequence. VCF-style (leftmost placement, unchanged base first): chr6-64439162-CT-C. GRCh37 (hg19) VCF-style: chr6-65149055-CT-C.
Other names: c.5834del, p.Lys1945fs (NM_001292009.2); c.5834del (NM_001142800.1); c.5834delA (NM_001142800.1); short protein forms K1945fs.
Identifiers: ClinVar variation 1074003 (VCV001074003.16), dbSNP rs774455587, ClinGen allele CA3876982.
Genomic context (GRCh38, chr6:64,439,162, plus strand): 5'-AAGCACATAATTAGAACAACTTTGTAATTTTTAAAAAATTAAATGAACTGAATAACTTAC[CT>C]TTAAAGTACCATTTTCAATAAACAATTGAATAAAAAATCCATCTACTAAATTTGAGTCTT-3'

ClinVar aggregate classification (germline): Pathogenic. Review status: criteria provided, multiple submitters, no conflicts (2 of 4 stars). 7 submissions from 7 submitters: Pathogenic (7). Last evaluated 2025-12-28.

Conditions:
EYS-related disorder. Also called: EYS-related condition.
Retinitis pigmentosa 25 (RP25). Identifiers: Orphanet 791, MedGen C1864446, MONDO:0011272, OMIM 602772.

Submissions (7):

Labcorp Genetics (formerly Invitae), Labcorp
Classification: Pathogenic. Last evaluated: 2025-12-28. Review status: criteria provided, single submitter. Criteria: Invitae Variant Classification Sherloc (09022015). Collection method: clinical testing. Allele origin: germline.
Comment: This sequence change creates a premature translational stop signal (p.Lys1945Serfs*42) in the EYS gene. It is expected to result in an absent or disrupted protein product. Loss-of-function variants in EYS are known to be pathogenic (PMID: 18836446, 20333770). This variant is present in population databases (rs774455587, gnomAD 0.05%). This premature translational stop signal has been observed in individuals with retinitis pigmentosa (PMID: 20333770, 28704921). It has also been observed to segregate with disease in related individuals. ClinVar contains an entry for this variant (Variation ID: 1074003). For these reasons, this variant has been classified as Pathogenic.

PreventionGenetics, part of Exact Sciences
Classification: Pathogenic for EYS-related condition. Last evaluated: 2025-11-23. Review status: criteria provided, single submitter. Criteria: ACMG Guidelines, 2015. Collection method: clinical testing. Allele origin: germline.
Comment: The EYS c.5834delA variant is predicted to result in a frameshift and premature protein termination (p.Lys1945Serfs*42). This variant has been reported in the homozygous state or with a second causative EYS variant in individuals with retinitis pigmentosa or retinal dystrophy (Audo et al. 2010. PubMed ID: 20333770; Cundy et al. 2020. PubMed ID: 32728228; Supplementary Table, Zanolli et al. 2020. PubMed ID: 32141364). This variant segregated in the homozygous state in two affected family members (Audo et al. 2010. PubMed ID: 20333770). This variant is reported in 0.046% of alleles in individuals of African descent in gnomAD. Frameshift variants in EYS are expected to be pathogenic. This variant is interpreted as pathogenic.

Natera, Inc.
Classification: Pathogenic for Retinitis pigmentosa type 25. Last evaluated: 2025-09-02. Review status: criteria provided, single submitter. Criteria: Natera Variant Classification Schema (03/2026). Collection method: clinical testing. Allele origin: germline.
Comment: The c.5834delA variant in EYS is a frameshift variant predicted to shift the reading frame beginning at codon 1945 and leads to a stop codon 42 codons downstream. This variant is expected to result in nonsense mediated decay, truncation, or a dysfunctional protein product. This variant is rare in the general population with a frequency below the threshold expected for the associated phenotype(s). This variant has been observed in one or more individuals affected with the associated recessive disease, as either homozygous or compound heterozygous with a second variant (PMID: 28704921). Given the available evidence, this variant is classified as Pathogenic.

GeneDx
Classification: Pathogenic. Last evaluated: 2025-02-05. Review status: criteria provided, single submitter. Criteria: GeneDx Variant Classification Process June 2021. Collection method: clinical testing. Allele origin: germline.
Comment: Frameshift variant predicted to result in protein truncation or nonsense mediated decay in a gene for which loss-of-function is a known mechanism of disease; This variant is associated with the following publications: (PMID: 32728228, 32141364, 28704921, 31964843, 20333770)

Blueprint Genetics
Classification: Pathogenic for EYS-related disorders. Last evaluated: 2024-11-12. Review status: criteria provided, single submitter. Criteria: ACMG Guidelines, 2015. Collection method: clinical testing. Allele origin: germline. Affected: yes. Observed: 5 variant alleles.

Fulgent Genetics
Classification: Pathogenic for Retinitis pigmentosa 25. Last evaluated: 2024-05-24. Review status: criteria provided, single submitter. Criteria: ACMG Guidelines, 2015. Collection method: clinical testing. Allele origin: germline.

Baylor Genetics
Classification: Pathogenic for Retinitis pigmentosa 25. Last evaluated: 2024-03-03. Review status: criteria provided, single submitter. Criteria: ACMG Guidelines, 2015. Collection method: clinical testing. Allele origin: unknown.

Literature cited by the submitters: PubMed 18836446 (cited by Labcorp Genetics (formerly Invitae), Labcorp); PubMed 20333770 (cited by Labcorp Genetics (formerly Invitae), Labcorp); PubMed 28704921 (cited by Labcorp Genetics (formerly Invitae), Labcorp and Natera, Inc.).